The following is an entry in ClinVar:

NM_001190274.2(FBXO11):c.145C>T (p.Pro49Ser)

Genes: FBXO11 (F-box protein 11; minus strand), LOC100506235 (uncharacterized LOC100506235; plus strand). Cytogenetic location: 2p16.3.
Variant type: single nucleotide variant.
Coding change: c.145C>T on transcript NM_001190274.2 (MANE Select); coding-DNA position 145, C replaced by T.
Protein change: p.Pro49Ser; replaces proline 49 with serine.
Molecular consequence: missense variant.
Genome position (GRCh38, 1-based): chr2:47,905,576, G>A on the plus strand (C>T on the coding strand, the complement: FBXO11 is on the minus strand). VCF-style: chr2-47905576-G-A. GRCh37 (hg19) VCF-style: chr2-48132715-G-A.
Other names: short protein forms P49S.
Identifiers: ClinVar variation 1435679 (VCV001435679.6), dbSNP rs1031331068, ClinGen allele CA47236588.

ClinVar aggregate classification (germline): Uncertain significance (1 of 4 stars; one submission).

Allele frequency attached by ClinVar (database versions not stated): gnomAD 0.00003 and 0.00004; TOPMed 0.00006.
gnomAD v4.1: 9 of 1,258,328 alleles (0.00072%); highest among the groups gnomAD compares: Admixed American, 0.017%; no homozygotes.

Submission:

Labcorp Genetics (formerly Invitae), Labcorp
Classification: Uncertain significance. Last evaluated: 2021-11-30. Review status: criteria provided, single submitter. Criteria: Invitae Variant Classification Sherloc (09022015). Collection method: clinical testing. Allele origin: germline.
Comment: This sequence change replaces proline, which is neutral and non-polar, with serine, which is neutral and polar, at codon 49 of the FBXO11 protein (p.Pro49Ser). This variant is not present in population databases (gnomAD no frequency). This variant has not been reported in the literature in individuals affected with FBXO11-related conditions. Algorithms developed to predict the effect of missense changes on protein structure and function are either unavailable or do not agree on the potential impact of this missense change (SIFT: "Tolerated"; PolyPhen-2: "Not Available"; Align-GVGD: "Class C0"). In summary, the available evidence is currently insufficient to determine the role of this variant in disease. Therefore, it has been classified as a Variant of Uncertain Significance.